The following is an entry in ClinVar:

NM_015272.5(RPGRIP1L):c.3257G>A (p.Cys1086Tyr)

Gene: RPGRIP1L (RPGRIP1 like; minus strand). Cytogenetic location: 16q12.2.
Variant type: single nucleotide variant.
Coding change: c.3257G>A on transcript NM_015272.5 (MANE Select); coding-DNA position 3257, G replaced by A.
Protein change: p.Cys1086Tyr; replaces cysteine 1086 with tyrosine.
Molecular consequence: missense variant.
Genome position (GRCh38, 1-based): chr16:53,636,476, C>T on the plus strand (G>A on the coding strand, the complement: RPGRIP1L is on the minus strand). VCF-style: chr16-53636476-C-T. GRCh37 (hg19) VCF-style: chr16-53670388-C-T.
Other names: c.3155G>A, p.Cys1052Tyr (NM_001127897.4, NM_001330538.2); c.3257G>A, p.Cys1086Tyr (NM_001308334.3); c.3257G>A (NM_015272.4); short protein forms C1052Y, C1086Y.
Identifiers: ClinVar variation 1001318 (VCV001001318.8), dbSNP rs772351648, ClinGen allele CA395925719.
Genomic context (GRCh38, chr16:53,636,476, plus strand): 5'-CTAGTTGGCATCAAGTTACTGACCTGTTTGATATTCTTGGAGATAGGACCTGGAATAATA[C>T]AGTCATCACTGTCAGAAGCTGACATGTCCTCTTCAACTGTTTAAAAAATAAAAGGGTAAC-3'
Protein context (NP_056087.2, residues 1076-1096): EDMSASDSDD[Cys1086Tyr]IIPGPISKNI

ClinVar aggregate classification (germline): Uncertain significance. Review status: criteria provided, multiple submitters, no conflicts (2 of 4 stars). 3 submissions from 3 submitters: Uncertain significance (2). 1 of the submissions does not count toward it. Last evaluated 2024-11-06.

Conditions:
RPGRIP1L-related disorder. Also called: RPGRIP1L-related condition; RPGRIP1L-related disorders. Identifiers: MedGen CN239416.
Meckel-Gruber syndrome. Also called: GRUBER SYNDROME; Dysencephalia splachnocystica; DYSENCEPHALIA SPLANCHNOCYSTICA. Identifiers: Orphanet 564, MedGen C0265215, MONDO:0018921.
Joubert syndrome. Also called: Familial aplasia of the vermis; JOUBERT-BOLTSHAUSER SYNDROME. Identifiers: Orphanet 475, MedGen C5979921, MONDO:0018772.

gnomAD v4.1: 8 of 1,612,314 alleles (0.0005%); highest among the groups gnomAD compares: Admixed American, 0.0083%; no homozygotes.

Submissions (3):

PreventionGenetics, part of Exact Sciences
Classification: Uncertain significance for RPGRIP1L-related condition. Last evaluated: 2024-11-06. Review status: criteria provided, single submitter. Criteria: ACMG Guidelines, 2015. Collection method: clinical testing. Allele origin: germline.
Comment: The RPGRIP1L c.3257G>A variant is predicted to result in the amino acid substitution p.Cys1086Tyr. To our knowledge, this variant has not been reported in the literature. This variant is reported in 0.014% of alleles in individuals of Latino descent in gnomAD. At this time, the clinical significance of this variant is uncertain due to the absence of conclusive functional and genetic evidence.

Labcorp Genetics (formerly Invitae), Labcorp
Classification: Uncertain significance for Joubert syndrome; Meckel-Gruber syndrome. Last evaluated: 2024-02-24. Review status: criteria provided, single submitter. Criteria: Invitae Variant Classification Sherloc (09022015). Collection method: clinical testing. Allele origin: germline.
Comment: This sequence change replaces cysteine, which is neutral and slightly polar, with tyrosine, which is neutral and polar, at codon 1086 of the RPGRIP1L protein (p.Cys1086Tyr). This variant is present in population databases (no rsID available, gnomAD 0.01%). This variant has not been reported in the literature in individuals affected with RPGRIP1L-related conditions. ClinVar contains an entry for this variant (Variation ID: 1001318). Advanced modeling of protein sequence and biophysical properties (such as structural, functional, and spatial information, amino acid conservation, physicochemical variation, residue mobility, and thermodynamic stability) performed at Invitae indicates that this missense variant is not expected to disrupt RPGRIP1L protein function with a negative predictive value of 80%. In summary, the available evidence is currently insufficient to determine the role of this variant in disease. Therefore, it has been classified as a Variant of Uncertain Significance.

Natera, Inc.
Classification: Uncertain significance for Joubert syndrome. Last evaluated: 2020-09-09. Review status: no assertion criteria provided. Collection method: clinical testing. Allele origin: germline. Not counted in ClinVar's aggregate classification.